The following is an entry in ClinVar:

ClinVar aggregate classification (germline): Likely benign (1 of 4 stars; one submission).

gnomAD v4.1: 15 of 1,614,028 alleles (0.00093%); highest among the groups gnomAD compares: Middle Eastern, 0.099%; 1 homozygote.

Submission:

Molecular Diagnostic Laboratory for Inherited Cardiovascular Disease, Montreal Heart Institute
Classification: Likely benign. Last evaluated: 2026-03-27. Review status: criteria provided, single submitter. Criteria: ACMG Guidelines, 2015. Collection method: clinical testing. Allele origin: germline. Affected: no.
Comment: BS1, BP1

NM_015627.3(LDLRAP1):c.200C>T (p.Ser67Leu)

Gene: LDLRAP1 (low density lipoprotein receptor adaptor protein 1; plus strand). Cytogenetic location: 1p36.11.
Variant type: single nucleotide variant.
Coding change: c.200C>T on transcript NM_015627.3 (MANE Select); coding-DNA position 200, C replaced by T.
Protein change: p.Ser67Leu; replaces serine 67 with leucine.
Molecular consequence: missense variant.
Genome position (GRCh38, 1-based): chr1:25,554,033, C>T. VCF-style: chr1-25554033-C-T. GRCh37 (hg19) VCF-style: chr1-25880524-C-T.
Other names: short protein forms S67L.
Identifiers: ClinVar variation 4820453 (VCV004820453.1), dbSNP rs867337699.